The following is an entry in ClinVar:

ClinVar aggregate classification (germline): Uncertain significance (1 of 4 stars; one submission).

gnomAD v4.1: 3 of 1,610,374 alleles (0.00019%); highest among the groups gnomAD compares: African/African-American, 0.0013%; no homozygotes.

Submission:

CeGaT Center for Human Genetics Tuebingen
Classification: Uncertain significance. Last evaluated: 2026-07-01. Review status: criteria provided, single submitter. Criteria: CeGaT Center For Human Genetics Tuebingen Variant Classification Criteria Version 2. Collection method: clinical testing. Allele origin: germline. Affected: yes. Observed: 1 variant allele.
Comment: TRIO: PM2:Supporting, PS2:Supporting

NM_007118.4(TRIO):c.1380C>T (p.Asn460=)

Gene: TRIO (trio Rho guanine nucleotide exchange factor; plus strand). Cytogenetic location: 5p15.2.
Variant type: single nucleotide variant.
Coding change: c.1380C>T on transcript NM_007118.4 (MANE Select); coding-DNA position 1380, C replaced by T.
Protein change: p.Asn460=; no amino-acid change (asparagine 460 retained).
Molecular consequence: synonymous variant. On other transcripts: non-coding transcript variant (1).
Genome position (GRCh38, 1-based): chr5:14,304,472, C>T. VCF-style: chr5-14304472-C-T. GRCh37 (hg19) VCF-style: chr5-14304581-C-T.
Identifiers: ClinVar variation 5039749 (VCV005039749.1).